The following is an entry in ClinVar:

NM_004985.5(KRAS):c.229G>A (p.Gly77Ser)

Gene: KRAS (KRAS proto-oncogene, GTPase; minus strand). Cytogenetic location: 12p12.1.
Variant type: single nucleotide variant.
Coding change: c.229G>A on transcript NM_004985.5 (MANE Select); coding-DNA position 229, G replaced by A.
Protein change: p.Gly77Ser; replaces glycine 77 with serine.
Molecular consequence: missense variant.
Genome position (GRCh38, 1-based): chr12:25,227,295, C>T on the plus strand (G>A on the coding strand, the complement: KRAS is on the minus strand). VCF-style: chr12-25227295-C-T. GRCh37 (hg19) VCF-style: chr12-25380229-C-T.
Other names: c.229G>A, p.Gly77Ser (NM_001369786.1, NM_001369787.1, NM_033360.4); short protein forms G77S.
Identifiers: ClinVar variation 1191328 (VCV001191328.2), dbSNP rs2141509652, ClinGen allele CA384151908.

ClinVar aggregate classification (germline): Uncertain significance (1 of 4 stars; one submission).

Submission:

GeneDx
Classification: Uncertain significance. Last evaluated: 2019-09-12. Review status: criteria provided, single submitter. Criteria: GeneDx Variant Classification Process June 2021. Collection method: clinical testing. Allele origin: germline. Affected: yes.
Comment: Not observed in large population cohorts (Lek et al., 2016); In silico analysis, which includes protein predictors and evolutionary conservation, supports a deleterious effect; The majority of missense variants in this gene are considered pathogenic (Stenson et al., 2014); Has not been previously published as pathogenic or benign to our knowledge